The following is an entry in ClinVar:

NM_006767.4(LZTR1):c.344C>G (p.Pro115Arg)

Gene: LZTR1 (leucine zipper like post translational regulator 1; plus strand). Cytogenetic location: 22q11.21.
Variant type: single nucleotide variant.
Coding change: c.344C>G on transcript NM_006767.4 (MANE Select); coding-DNA position 344, C replaced by G.
Protein change: p.Pro115Arg; replaces proline 115 with arginine.
Molecular consequence: missense variant.
Genome position (GRCh38, 1-based): chr22:20,987,527, C>G. VCF-style: chr22-20987527-C-G. GRCh37 (hg19) VCF-style: chr22-21341816-C-G.
Other names: short protein forms P115R.
Identifiers: ClinVar variation 2447724 (VCV002447724.3), dbSNP rs756852884, ClinGen allele CA410779293.

ClinVar aggregate classification (germline): Uncertain significance (1 of 4 stars; one submission).

Conditions:
Cardiovascular phenotype. Identifiers: MedGen CN230736.
Hereditary cancer-predisposing syndrome. Also called: Tumor predisposition; Hereditary Cancer Syndrome; Hereditary neoplastic syndrome; Neoplastic Syndromes, Hereditary. Identifiers: Orphanet 140162, MedGen C0027672, MeSH D009386, MONDO:0015356.

Submission:

Ambry Genetics
Classification: Uncertain significance for Cardiovascular phenotype; Hereditary cancer-predisposing syndrome. Last evaluated: 2026-05-26. Review status: criteria provided, single submitter. Criteria: Ambry Variant Classification Scheme 2023. Collection method: clinical testing. Allele origin: germline.
Comment: The p.P115R variant (also known as c.344C>G), located in coding exon 4 of the LZTR1 gene, results from a C to G substitution at nucleotide position 344. The proline at codon 115 is replaced by arginine, an amino acid with dissimilar properties. This amino acid position is conserved. In addition, this alteration is predicted to be deleterious by in silico analysis. Since supporting evidence is limited at this time, the clinical significance of this alteration remains unclear.